The following is an entry in ClinVar:

NM_007194.4(CHEK2):c.1455dup (p.Leu486fs)

Gene: CHEK2 (checkpoint kinase 2; minus strand). Cytogenetic location: 22q12.1.
Variant type: Duplication.
Coding change: c.1455dup on transcript NM_007194.4 (MANE Select); coding-DNA position 1455, one base duplicated (G; older notation c.1455dupG).
Protein change: p.Leu486fs; shifts the reading frame from leucine 486.
Molecular consequence: frameshift variant.
Genome position (GRCh38, 1-based): chr22:28,694,038, C duplicated on the plus strand (G on the coding strand, the reverse complement: CHEK2 is on the minus strand); the first of 2 consecutive C bases (chr22:28,694,038-28,694,039); duplicating either gives the same sequence. VCF-style (leftmost placement, unchanged base first): chr22-28694037-G-GC. GRCh37 (hg19) VCF-style: chr22-29090025-G-GC.
Other names: c.1583dup, p.Leu529Alafs (NM_001005735.3); c.791dup, p.Leu265Alafs (NM_001257387.3); c.1253dup, p.Leu419Alafs (NM_001349956.3); c.1367dup, p.Leu457Alafs (NM_145862.3); short protein forms L457fs, L486fs, L265fs, L419fs, L529fs.
Identifiers: ClinVar variation 819258 (VCV000819258.13), dbSNP rs1601715865, ClinGen allele CA915952838.

ClinVar aggregate classification (germline): Pathogenic/Likely pathogenic. Review status: criteria provided, multiple submitters, no conflicts (2 of 4 stars). 4 submissions from 4 submitters: Pathogenic (3); Likely pathogenic (1). Last evaluated 2023-06-28.

Conditions:
Familial cancer of breast. Also called: hereditary breast carcinoma; Hereditary breast cancer; BREAST CANCER, FAMILIAL. Identifiers: Orphanet 227535, MedGen C0346153, MONDO:0016419, OMIM 114480. Disease mechanism: loss of function.
Hereditary cancer-predisposing syndrome. Also called: Tumor predisposition; Hereditary neoplastic syndrome; Neoplastic Syndromes, Hereditary; Hereditary Cancer Syndrome. Identifiers: Orphanet 140162, MedGen C0027672, MeSH D009386, MONDO:0015356.
Hereditary breast ovarian cancer syndrome. Also called: Hereditary breast and ovarian cancer syndrome (HBOC); Breast and ovarian cancer; BRCA1- and BRCA2-Associated Hereditary Breast and Ovarian Cancer; Hereditary breast and/or ovarian cancer syndrome; Hereditary breast and ovarian cancer syndrome; Hereditary breast and ovarian cancer. Identifiers: Orphanet 145, MedGen C0677776, MeSH D061325, MONDO:0003582. Disease mechanism: loss of function.

Submissions (4):

Myriad Genetics, Inc.
Classification: Pathogenic for Familial cancer of breast. Last evaluated: 2023-06-28. Review status: criteria provided, single submitter. Criteria: Myriad Autosomal Dominant, Autosomal Recessive and X-Linked Classification Criteria (2023). Collection method: clinical testing. Allele origin: unknown.
Comment: This variant is considered pathogenic. This variant creates a frameshift predicted to result in premature protein truncation.

Labcorp Genetics (formerly Invitae), Labcorp
Classification: Pathogenic for Familial cancer of breast. Last evaluated: 2022-10-05. Review status: criteria provided, single submitter. Criteria: Invitae Variant Classification Sherloc (09022015). Collection method: clinical testing. Allele origin: germline.
Comment: This variant is not present in population databases (gnomAD no frequency). This sequence change creates a premature translational stop signal (p.Leu486Alafs*4) in the CHEK2 gene. It is expected to result in an absent or disrupted protein product. Loss-of-function variants in CHEK2 are known to be pathogenic (PMID: 21876083, 24713400). This premature translational stop signal has been observed in individual(s) with CHEK2-related conditions (PMID: 32566746). For these reasons, this variant has been classified as Pathogenic. ClinVar contains an entry for this variant (Variation ID: 819258).

Ambry Genetics
Classification: Pathogenic for Hereditary cancer-predisposing syndrome. Last evaluated: 2022-05-31. Review status: criteria provided, single submitter. Criteria: Ambry Variant Classification Scheme 2023. Collection method: clinical testing. Allele origin: germline.
Comment: The c.1455dupG pathogenic mutation, located in coding exon 12 of the CHEK2 gene, results from a duplication of G at nucleotide position 1455, causing a translational frameshift with a predicted alternate stop codon (p.L486Afs*4). This alteration is expected to result in loss of function by premature protein truncation or nonsense-mediated mRNA decay. As such, this alteration is interpreted as a disease-causing mutation.

Cancer Genomics Group, Japanese Foundation For Cancer Research
Classification: Likely pathogenic for Hereditary breast and ovarian cancer syndrome. Last evaluated: 2019-05-01. Review status: criteria provided, single submitter. Criteria: ACMG Guidelines, 2015. Collection method: research. Allele origin: germline. Affected: yes.

Literature cited by the submitters: PubMed 21876083 (cited by Labcorp Genetics (formerly Invitae), Labcorp); PubMed 24713400 (cited by Labcorp Genetics (formerly Invitae), Labcorp); PubMed 32566746 (cited by Labcorp Genetics (formerly Invitae), Labcorp).